The following is an entry in ClinVar:

NM_000130.5(F5):c.3471del (p.Glu1158fs)

Gene: F5 (coagulation factor V; minus strand). Cytogenetic location: 1q24.2.
Variant type: Deletion.
Coding change: c.3471del on transcript NM_000130.5 (MANE Select); coding-DNA position 3471, one base deleted (T; older notation c.3471delT).
Protein change: p.Glu1158fs; shifts the reading frame from glutamic acid 1158.
Molecular consequence: frameshift variant.
Genome position (GRCh38, 1-based): chr1:169,541,619, A deleted on the plus strand (T on the coding strand, the reverse complement: F5 is on the minus strand); the first of 2 consecutive A bases (chr1:169,541,619-169,541,620); deleting either gives the same sequence. VCF-style (leftmost placement, unchanged base first): chr1-169541618-CA-C. GRCh37 (hg19) VCF-style: chr1-169510856-CA-C.
Other names: short protein forms E1158fs.
Identifiers: ClinVar variation 4685504 (VCV004685504.1).

ClinVar aggregate classification (germline): Pathogenic (1 of 4 stars; one submission).

Conditions:
Congenital factor V deficiency. Also called: LABILE FACTOR DEFICIENCY; OWREN PARAHEMOPHILIA; PARAHEMOPHILIA; Hereditary factor V deficiency disease. Identifiers: Orphanet 326, MedGen C0015499, MONDO:0009210, OMIM 227400.

Submission:

Imagene.me medical diagnostic laboratory, IMAGENE.ME SA
Classification: Pathogenic for Congenital factor V deficiency. Review status: criteria provided, single submitter. Criteria: IMAGENE.ME Variant Classification SOP 2022. Collection method: clinical testing. Allele origin: germline. Affected: yes.
Comment: Classified according to the IMAGENE.ME variant classification SOP based on the ACMG guidelines as Pathogenic (P): PVS1 + PM2